The following is an entry in ClinVar:

NM_018451.5(CPAP):c.1430C>T (p.Thr477Met)

Gene: CPAP (centrosome assembly and centriole elongation protein; minus strand). Cytogenetic location: 13q12.13.
Variant type: single nucleotide variant.
Coding change: c.1430C>T on transcript NM_018451.5 (MANE Select); coding-DNA position 1430, C replaced by T.
Protein change: p.Thr477Met; replaces threonine 477 with methionine.
Molecular consequence: missense variant. On other transcripts: non-coding transcript variant (2).
Genome position (GRCh38, 1-based): chr13:24,906,608, G>A on the plus strand (C>T on the coding strand, the complement: CPAP is on the minus strand). VCF-style: chr13-24906608-G-A. GRCh37 (hg19) VCF-style: chr13-25480746-G-A.
Other names: short protein forms T477M.
Identifiers: ClinVar variation 311623 (VCV000311623.35), dbSNP rs193181742, ClinGen allele CA6919758.

ClinVar aggregate classification (germline): Conflicting classifications of pathogenicity. Review status: criteria provided, conflicting classifications (1 of 4 stars). 5 submissions from 4 submitters: Uncertain significance (1); Benign (1); Likely benign (3). Last evaluated 2025-12-08.

Conditions:
Microcephaly 6, primary, autosomal recessive. Identifiers: Orphanet 2512, MedGen C1842109, MONDO:0012029, OMIM 608393.
Seckel syndrome 4 (SCKL4). Identifiers: Orphanet 808, MedGen C3888212, MONDO:0013358, OMIM 613676.

Allele frequency attached by ClinVar (database versions not stated): gnomAD exomes 0.00013 and 0.00051; gnomAD 0.00014 and 0.00021; 1000 Genomes Project 30x 0.00031; TOPMed 0.00034; 1000 Genomes Project 0.00040; ExAC 0.00047.
gnomAD v4.1: 235 of 1,614,114 alleles (0.015%); highest among the groups gnomAD compares: East Asian, 0.4%; 1 homozygote.

Submissions (5):

Labcorp Genetics (formerly Invitae), Labcorp
Classification: Benign. Last evaluated: 2025-12-08. Review status: criteria provided, single submitter. Criteria: Invitae Variant Classification Sherloc (09022015). Collection method: clinical testing. Allele origin: germline.

Blueprint Genetics
Classification: Likely benign. Last evaluated: 2024-11-11. Review status: criteria provided, single submitter. Criteria: ACMG Guidelines, 2015. Collection method: clinical testing. Allele origin: germline.

CeGaT Center for Human Genetics Tuebingen
Classification: Likely benign. Last evaluated: 2023-12-01. Review status: criteria provided, single submitter. Criteria: CeGaT Center For Human Genetics Tuebingen Variant Classification Criteria Version 2. Collection method: clinical testing. Allele origin: germline. Affected: yes. Observed: 1 variant allele.
Comment: CPAP: BP4

Illumina Laboratory Services, Illumina
Classification: Uncertain significance for Microcephaly 6, primary, autosomal recessive. Last evaluated: 2018-01-12. Review status: criteria provided, single submitter. Criteria: ICSL Variant Classification Criteria 13 December 2019. Collection method: clinical testing. Allele origin: germline.

Illumina Laboratory Services, Illumina
Classification: Likely benign for Seckel syndrome 4. Last evaluated: 2018-01-12. Review status: criteria provided, single submitter. Criteria: ICSL Variant Classification Criteria 13 December 2019. Collection method: clinical testing. Allele origin: germline.
Comment: This variant was observed in the ICSL laboratory as part of a predisposition screen in an ostensibly healthy population. It had not been previously curated by ICSL or reported in the Human Gene Mutation Database (HGMD: prior to June 1st, 2018), and was therefore a candidate for classification through an automated scoring system. Utilizing variant allele frequency, disease prevalence and penetrance estimates, and inheritance mode, an automated score was calculated to assess if this variant is too frequent to cause the disease. Based on the score and internal cut-off values, a variant classified as likely benign is not then subjected to further curation. The score for this variant resulted in a classification of likely benign for this disease.